The following is an entry in ClinVar:

ClinVar aggregate classification (germline): Uncertain significance (1 of 4 stars; one submission).

Conditions:
Inborn genetic diseases. Identifiers: MedGen C0950123, MeSH D030342.

Submission:

Ambry Genetics
Classification: Uncertain significance for Inborn genetic diseases. Last evaluated: 2016-06-23. Review status: criteria provided, single submitter. Criteria: Ambry Variant Classification Scheme 2023. Collection method: clinical testing. Allele origin: germline.
Comment: The p.P701A variant (also known as c.2101C>G), located in coding exon 13 of the POGZ gene, results from a C to G substitution at nucleotide position 2101. The proline at codon 701 is replaced by alanine, an amino acid with highly similar properties. This variant was not reported in population based cohorts in the following databases: Database of Single Nucleotide Polymorphisms (dbSNP), NHLBI Exome Sequencing Project (ESP), and 1000 Genomes Project. In the ESP, this variant was not observed in 6503 samples (13006 alleles) with coverage at this position. This amino acid position is well conserved in available vertebrate species. In addition, this alteration is predicted to be tolerated by in silico analysis. Since supporting evidence is limited at this time, the clinical significance of this variant remains unclear.

NM_015100.4(POGZ):c.2101C>G (p.Pro701Ala)

Gene: POGZ (pogo transposable element derived with ZNF domain; minus strand). Cytogenetic location: 1q21.3.
Variant type: single nucleotide variant.
Coding change: c.2101C>G on transcript NM_015100.4 (MANE Select); coding-DNA position 2101, C replaced by G.
Protein change: p.Pro701Ala; replaces proline 701 with alanine.
Molecular consequence: missense variant.
Genome position (GRCh38, 1-based): chr1:151,408,542, G>C on the plus strand (C>G on the coding strand, the complement: POGZ is on the minus strand). VCF-style: chr1-151408542-G-C. GRCh37 (hg19) VCF-style: chr1-151381018-G-C.
Other names: c.2074C>G, p.Pro692Ala (NM_001194937.2); c.1915C>G, p.Pro639Ala (NM_001194938.2); c.1816C>G, p.Pro606Ala (NM_145796.4); c.1942C>G, p.Pro648Ala (NM_207171.2); short protein forms P701A, P606A, P639A, P692A, P648A.
Identifiers: ClinVar variation 589307 (VCV000589307.5), dbSNP rs1557873361, ClinGen allele CA341957057.
Genomic context (GRCh38, chr1:151,408,542, plus strand): 5'-AGGAGGTCAGCGGTGCTGCCTCCTGCAAGGCGCTGGGAGGTGTATCATTAGAGGATACAG[G>C]AACAGTTCGTGGCTGCCCTCGGGAAGCCCGGATTGTCACCTGAGAACCAAGGGAAGTAAC-3'
Protein context (NP_055915.2, residues 691-711): RASRGQPRTV[Pro701Ala]VSSNDTPPSA